The following is an entry in ClinVar:

ClinVar aggregate classification (germline): Uncertain significance (1 of 4 stars; one submission).

Conditions:
SOX11-related disorder. Also called: SOX11-related condition.

Submission:

PreventionGenetics, part of Exact Sciences
Classification: Uncertain significance for SOX11-related condition. Last evaluated: 2026-03-24. Review status: criteria provided, single submitter. Criteria: ACMG Guidelines, 2015. Collection method: clinical testing. Allele origin: germline.
Comment: The SOX11 c.463G>C variant is predicted to result in the amino acid substitution p.Gly155Arg. To our knowledge, this variant has not been reported in the literature or in a large population database (gnomAD), indicating this variant is rare. At this time, the clinical significance of this variant is uncertain due to the absence of conclusive functional and genetic evidence.

NM_003108.4(SOX11):c.463G>C (p.Gly155Arg)

Gene: SOX11 (SRY-box transcription factor 11; plus strand). Cytogenetic location: 2p25.2.
Variant type: single nucleotide variant.
Coding change: c.463G>C on transcript NM_003108.4 (MANE Select); coding-DNA position 463, G replaced by C.
Protein change: p.Gly155Arg; replaces glycine 155 with arginine.
Molecular consequence: missense variant.
Genome position (GRCh38, 1-based): chr2:5,693,184, G>C. VCF-style: chr2-5693184-G-C. GRCh37 (hg19) VCF-style: chr2-5833316-G-C.
Other names: short protein forms G155R.
Identifiers: ClinVar variation 4992545 (VCV004992545.1).
Genomic context (GRCh38, chr2:5,693,184, plus strand): 5'-AGCCAGAGCCCAGAGAAGAGCGCGGCCGGCGGCGGCGGCGGGAGCGCGGGCGGAGGCGCG[G>C]GCGGTGCCAAGACCTCCAAGGGCTCCAGCAAGAAATGCGGCAAGCTCAAGGCCCCCGCGG-3'
Protein context (NP_003099.1, residues 145-165): GGGGSAGGGA[Gly155Arg]GAKTSKGSSK